The following is an entry in ClinVar:

ClinVar aggregate classification (germline): Uncertain significance (1 of 4 stars; one submission).

gnomAD v4.1: 4 of 1,613,036 alleles (0.00025%); highest among the groups gnomAD compares: Non-Finnish European, 0.00025%; no homozygotes.

Submission:

Labcorp Genetics (formerly Invitae), Labcorp
Classification: Uncertain significance. Last evaluated: 2025-10-28. Review status: criteria provided, single submitter. Criteria: Invitae Variant Classification Sherloc (09022015). Collection method: clinical testing. Allele origin: germline.
Comment: This sequence change replaces glutamine, which is neutral and polar, with histidine, which is basic and polar, at codon 277 of the CHUK protein (p.Gln277His). This variant is present in population databases (no rsID available, gnomAD 0.0009%). This variant has not been reported in the literature in individuals affected with CHUK-related conditions. An algorithm developed to predict the effect of missense changes on protein structure and function (PolyPhen-2) suggests that this variant is likely to be disruptive. In summary, the available evidence is currently insufficient to determine the role of this variant in disease. Therefore, it has been classified as a Variant of Uncertain Significance.

NM_001278.5(CHUK):c.831G>T (p.Gln277His)

Gene: CHUK (component of inhibitor of nuclear factor kappa B kinase complex; minus strand). Cytogenetic location: 10q24.31.
Variant type: single nucleotide variant.
Coding change: c.831G>T on transcript NM_001278.5 (MANE Select); coding-DNA position 831, G replaced by T.
Protein change: p.Gln277His; replaces glutamine 277 with histidine.
Molecular consequence: missense variant. On other transcripts: non-coding transcript variant (8).
Genome position (GRCh38, 1-based): chr10:100,218,097, C>A on the plus strand (G>T on the coding strand, the complement: CHUK is on the minus strand). VCF-style: chr10-100218097-C-A. GRCh37 (hg19) VCF-style: chr10-101977854-C-A.
Other names: c.831G>T, p.Gln277His (NM_001320928.2, NM_001441062.1, NM_001441063.1 and 1 more transcripts); c.549G>T, p.Gln183His (NM_001441065.1); c.204G>T, p.Gln68His (NM_001441066.1); short protein forms Q68H, Q183H, Q277H.
Identifiers: ClinVar variation 4698336 (VCV004698336.1).
Genomic context (GRCh38, chr10:100,218,097, plus strand): 5'-CTGCTTCAAAGTAAGGTCAACAGGTCCTCCTCTCTGCTGAGGGTCCCAATTCAACATCAA[C>A]TGTAGCCAGTTTTCCATGGGTTCTACTACTAAACTAGAAAACATACAAAATAGGGTGAAA-3'
Protein context (NP_001269.3, residues 267-287): LVVEPMENWL[Gln277His]LMLNWDPQQR